The following is an entry in ClinVar:

NM_014467.3(SRPX2):c.248T>C (p.Leu83Pro)

Gene: SRPX2 (sushi repeat containing protein X-linked 2; plus strand). Cytogenetic location: Xq22.1.
Variant type: single nucleotide variant.
Coding change: c.248T>C on transcript NM_014467.3 (MANE Select); coding-DNA position 248, T replaced by C.
Protein change: p.Leu83Pro; replaces leucine 83 with proline.
Molecular consequence: missense variant.
Genome position (GRCh38, 1-based): chrX:100,662,260, T>C. VCF-style: chrX-100662260-T-C. GRCh37 (hg19) VCF-style: chrX-99917257-T-C.
Other names: p.L83P:CTG>CCG; short protein forms L83P.
Identifiers: ClinVar variation 207388 (VCV000207388.36), dbSNP rs141168255, ClinGen allele CA318802.

ClinVar aggregate classification (germline): Conflicting classifications of pathogenicity. Review status: criteria provided, conflicting classifications (1 of 4 stars). 5 submissions from 5 submitters: Uncertain significance (4); Likely benign (1). Last evaluated 2025-04-21.

Conditions:
Rolandic epilepsy, impaired intellectual development, and speech dyspraxia, X-linked. Also called: Rolandic epilepsy, intellectual disability, and speech dyspraxia, X-linked; Rolandic epilepsy, impaired intellectual development, and speech dyspraxia. Identifiers: MedGen C1845070, MONDO:0010388, OMIM 300643.

Allele frequency attached by ClinVar (database versions not stated): ExAC 0.00003; TOPMed 0.00005; gnomAD 0.00007; gnomAD exomes 0.00008 and 0.00018; ESP Exome Variant Server 0.00019.
gnomAD v4.1: 223 of 1,210,208 alleles (0.018%); highest among the groups gnomAD compares: Non-Finnish European, 0.022%; no homozygotes.

Submissions (5):

Ambry Genetics
Classification: Uncertain significance. Last evaluated: 2025-04-21. Review status: criteria provided, single submitter. Criteria: Ambry Variant Classification Scheme 2023. Collection method: clinical testing. Allele origin: germline.

CeGaT Center for Human Genetics Tuebingen
Classification: Likely benign. Last evaluated: 2023-02-01. Review status: criteria provided, single submitter. Criteria: CeGaT Center For Human Genetics Tuebingen Variant Classification Criteria Version 2. Collection method: clinical testing. Allele origin: germline. Affected: yes. Observed: 1 variant allele.
Comment: SRPX2: BS2

Labcorp Genetics (formerly Invitae), Labcorp
Classification: Uncertain significance for Rolandic epilepsy, impaired intellectual development, and speech dyspraxia, X-linked. Last evaluated: 2020-10-01. Review status: criteria provided, single submitter. Criteria: Invitae Variant Classification Sherloc (09022015). Collection method: clinical testing. Allele origin: germline.
Comment: This sequence change replaces leucine with proline at codon 83 of the SRPX2 protein (p.Leu83Pro). The leucine residue is highly conserved and there is a moderate physicochemical difference between leucine and proline. This variant is present in population databases (rs141168255, ExAC 0.006%). This variant has not been reported in the literature in individuals with SRPX2-related conditions. ClinVar contains an entry for this variant (Variation ID: 207388). Algorithms developed to predict the effect of missense changes on protein structure and function (SIFT, PolyPhen-2, Align-GVGD) all suggest that this variant is likely to be disruptive, but these predictions have not been confirmed by published functional studies and their clinical significance is uncertain. In summary, the available evidence is currently insufficient to determine the role of this variant in disease. Therefore, it has been classified as a Variant of Uncertain Significance.

Athena Diagnostics
Classification: Uncertain significance. Last evaluated: 2017-03-07. Review status: criteria provided, single submitter. Criteria: Athena Diagnostics Criteria. Collection method: clinical testing. Allele origin: germline.

GeneDx
Classification: Uncertain significance. Last evaluated: 2015-09-18. Review status: criteria provided, single submitter. Criteria: GeneDx Variant Classification (06012015). Collection method: clinical testing. Allele origin: germline. Affected: yes.
Comment: p.Leu83Pro (CTG>CCG): c.248 T>C in exon 4 o the SRPX2 gene (NM_014467.2) The L83P variant has not been published as a mutation, nor has it been reported as a benign polymorphism to our knowledge. The L83P variant was not observed with any significant frequency in approximately 5,400 individuals of European and African American ancestry in the NHLBI Exome Sequencing Project. The L83P variant is a semi-conservative amino acid substitution, which may impact secondary protein structure as these residues differ in some properties. This substitution alters a highly conserved position in the predicted Sushi 1 domain of the SRPX2 protein. Additionally, in silico analysis predicts this variant is probably damaging to the protein structure/function. Based on the currently available information, it is unclear whether this variant is a pathogenic mutation or a rare benign variant. The variant is found in EPILEPSY panel(s).